The following is an entry in ClinVar:

ClinVar aggregate classification (germline): Uncertain significance. Review status: criteria provided, multiple submitters, no conflicts (2 of 4 stars). 2 submissions from 2 submitters: Uncertain significance (2). Last evaluated 2022-06-01.

Conditions:
Epidermolysis bullosa simplex 3, localized or generalized intermediate, with BP230 deficiency (EBS3). Also called: Epidermolysis bullosa simplex due to BP230 deficiency; Epidermolysis bullosa simplex, autosomal recessive 2. Identifiers: Orphanet 412181, MedGen C3809470, MONDO:0014180, OMIM 615425.
Hereditary sensory and autonomic neuropathy type 6. Also called: HSAN VI; Neuropathy, hereditary sensory and autonomic, type VI. Identifiers: Orphanet 314381, MedGen C3539003, MONDO:0013839, OMIM 614653.

Allele frequency attached by ClinVar (database versions not stated): gnomAD 0.00001; TOPMed 0.00006; ExAC 0.00007.
gnomAD v4.1: 50 of 1,604,864 alleles (0.0031%); highest among the groups gnomAD compares: Middle Eastern, 0.033%; no homozygotes.

Submissions (2):

Labcorp Genetics (formerly Invitae), Labcorp
Classification: Uncertain significance for Epidermolysis bullosa simplex 3, localized or generalized intermediate, with BP230 deficiency; Hereditary sensory and autonomic neuropathy type 6. Last evaluated: 2022-06-01. Review status: criteria provided, single submitter. Criteria: Invitae Variant Classification Sherloc (09022015). Collection method: clinical testing. Allele origin: germline.
Comment: This sequence change replaces alanine, which is neutral and non-polar, with threonine, which is neutral and polar, at codon 2175 of the DST protein (p.Ala2175Thr). This variant is present in population databases (rs766809207, gnomAD 0.09%). This variant has not been reported in the literature in individuals affected with DST-related conditions. ClinVar contains an entry for this variant (Variation ID: 566938). Algorithms developed to predict the effect of missense changes on protein structure and function are either unavailable or do not agree on the potential impact of this missense change (SIFT: "Deleterious"; PolyPhen-2: "Possibly Damaging"; Align-GVGD: "Class C0"). In summary, the available evidence is currently insufficient to determine the role of this variant in disease. Therefore, it has been classified as a Variant of Uncertain Significance.

Breakthrough Genomics
Classification: Uncertain significance. Review status: criteria provided, single submitter. Criteria: ACMG Guidelines, 2015. Collection method: not provided. Allele origin: germline. Inheritance: Autosomal recessive inheritance. Affected: yes.

NM_001723.7(DST):c.6523G>A (p.Ala2175Thr)

Gene: DST (dystonin; minus strand). Cytogenetic location: 6p12.1.
Variant type: single nucleotide variant.
Coding change: c.6523G>A on transcript NM_001723.7 (MANE Plus Clinical); coding-DNA position 6523, G replaced by A.
Protein change: p.Ala2175Thr; replaces alanine 2175 with threonine.
Molecular consequence: missense variant. On other transcripts: intron variant (10).
Genome position (GRCh38, 1-based): chr6:56,616,944, C>T on the plus strand (G>A on the coding strand, the complement: DST is on the minus strand). VCF-style: chr6-56616944-C-T. GRCh37 (hg19) VCF-style: chr6-56481742-C-T.
Other names: c.4831-2460G>A (NM_001144769.5); c.4930-2460G>A (NM_001374722.1, NM_001374736.1); c.4957-2460G>A (NM_001374734.1); c.4417-2460G>A (NM_001144770.2); c.4297-2460G>A (NM_001374730.1, NM_001386100.1, NM_183380.4 and 1 more transcripts); c.3319-2460G>A (NM_015548.5); short protein forms A2175T.
Identifiers: ClinVar variation 566938 (VCV000566938.9), dbSNP rs766809207, ClinGen allele CA3870143.
Genomic context (GRCh38, chr6:56,616,944, plus strand): 5'-CTGCATCTTCAACAGAATATGTCTGACCTGAAATGGGATCAATTATAAAACCTGTTGCAG[C>T]CTGAGCTTCTAAAAATGCCAAAGCCACCATTTTGTCTATTATGATTCTCTCGGCCGCTGA-3'
Protein context (NP_001714.1, residues 2165-2185): MVALAFLEAQ[Ala2175Thr]ATGFIIDPIS